The following is an entry in ClinVar:

ClinVar aggregate classification (germline): Likely benign. Review status: criteria provided, single submitter (1 of 4 stars). 2 submissions from 1 submitter: Likely benign (2). Last evaluated 2018-01-13.

Conditions:
Short-rib thoracic dysplasia 7 with or without polydactyly (SRTD7). Also called: Short rib polydactyly syndrome 5; SHORT-RIB THORACIC DYSPLASIA 7 WITH POLYDACTYLY. Identifiers: Orphanet 498497, Orphanet 93271, MedGen C3279792, MONDO:0013569, OMIM 614091.
Cranioectodermal dysplasia 2 (CED2). Identifiers: Orphanet 1515, MedGen C3150874, MONDO:0013323, OMIM 613610.

Allele frequency attached by ClinVar (database versions not stated): 1000 Genomes Project 30x 0.00047; 1000 Genomes Project 0.00060; gnomAD 0.00034 and 0.00036; TOPMed 0.00042.
gnomAD v4.1: 51 of 152,308 alleles (0.033%); highest among the groups gnomAD compares: African/African-American, 0.12%; no homozygotes.

Submissions (2):

Illumina Laboratory Services, Illumina
Classification: Likely benign for Short-rib thoracic dysplasia 7 with or without polydactyly. Last evaluated: 2018-01-13. Review status: criteria provided, single submitter. Criteria: ICSL Variant Classification Criteria 13 December 2019. Collection method: clinical testing. Allele origin: germline.
Comment: This variant was observed in the ICSL laboratory as part of a predisposition screen in an ostensibly healthy population. It had not been previously curated by ICSL or reported in the Human Gene Mutation Database (HGMD: prior to June 1st, 2018), and was therefore a candidate for classification through an automated scoring system. Utilizing variant allele frequency, disease prevalence and penetrance estimates, and inheritance mode, an automated score was calculated to assess if this variant is too frequent to cause the disease. Based on the score and internal cut-off values, a variant classified as likely benign is not then subjected to further curation. The score for this variant resulted in a classification of likely benign for this disease.

Illumina Laboratory Services, Illumina
Classification: Likely benign for Cranioectodermal dysplasia 2. Last evaluated: 2018-01-13. Review status: criteria provided, single submitter. Criteria: ICSL Variant Classification Criteria 13 December 2019. Collection method: clinical testing. Allele origin: germline.
Comment: the same text as in the submission from Illumina Laboratory Services, Illumina above.

NM_020779.4(WDR35):c.*763T>C

Gene: WDR35 (WD repeat domain 35; minus strand). Cytogenetic location: 2p24.1.
Variant type: single nucleotide variant.
Coding change: c.*763T>C on transcript NM_020779.4 (MANE Select); 763 bases downstream of the stop codon, T replaced by C.
Molecular consequence: 3 prime UTR variant.
Genome position (GRCh38, 1-based): chr2:19,912,795, A>G on the plus strand (T>C on the coding strand, the complement: WDR35 is on the minus strand). VCF-style: chr2-19912795-A-G. GRCh37 (hg19) VCF-style: chr2-20112556-A-G.
Other names: c.*763T>C (NM_001006657.2).
Identifiers: ClinVar variation 333359 (VCV000333359.5), dbSNP rs560228088, ClinGen allele CA10613434.